The following is an entry in ClinVar:

ClinVar aggregate classification (germline): Uncertain significance (1 of 4 stars; one submission).

Conditions:
Cardiovascular phenotype. Identifiers: MedGen CN230736.

Submission:

Ambry Genetics
Classification: Uncertain significance for Cardiovascular phenotype. Last evaluated: 2022-10-30. Review status: criteria provided, single submitter. Criteria: Ambry Variant Classification Scheme 2023. Collection method: clinical testing. Allele origin: germline.
Comment: The p.P2340H variant (also known as c.7019C>A), located in coding exon 38 of the ANK2 gene, results from a C to A substitution at nucleotide position 7019. The proline at codon 2340 is replaced by histidine, an amino acid with similar properties. This amino acid position is conserved. In addition, this alteration is predicted to be tolerated by in silico analysis. Since supporting evidence is limited at this time, the clinical significance of this alteration remains unclear.

NM_001148.6(ANK2):c.7019C>A (p.Pro2340His)

Genes: ANK2 (ankyrin 2; plus strand), LOC126807137 (CDK7 strongly-dependent group 2 enhancer GRCh37_chr4:114276560-114277759; plus strand). Cytogenetic location: 4q26.
Variant type: single nucleotide variant.
Coding change: c.7019C>A on transcript NM_001148.6 (MANE Select); coding-DNA position 7019, C replaced by A.
Protein change: p.Pro2340His; replaces proline 2340 with histidine.
Molecular consequence: missense variant. On other transcripts: intron variant (68).
Genome position (GRCh38, 1-based): chr4:113,355,637, C>A. VCF-style: chr4-113355637-C-A. GRCh37 (hg19) VCF-style: chr4-114276793-C-A.
Other names: c.6785C>A, p.Pro2262His (NM_001386142.1); c.3419C>A, p.Pro1140His (NM_001386166.1); c.7160C>A, p.Pro2387His (NM_001386174.1); c.7136C>A, p.Pro2379His (NM_001386175.1); c.4412-5186C>A (NM_001386186.2, NM_001386148.2); c.4214-5186C>A (NM_001354269.3); c.4292-5186C>A (NM_001386187.2); c.4253-5186C>A (NM_001386147.1); and 35 more; short protein forms P2262H, P2379H, P1140H, P2340H, P2387H.
Identifiers: ClinVar variation 1756700 (VCV001756700.2), dbSNP rs2505659934, ClinGen allele CA357929136.